The following is an entry in ClinVar:

ClinVar aggregate classification (germline): Likely pathogenic (1 of 4 stars; one submission).

Submission:

GeneDx
Classification: Likely pathogenic. Last evaluated: 2026-09-29. Review status: criteria provided, single submitter. Criteria: GeneDx Variant Classification Process June 2021. Collection method: clinical testing. Allele origin: germline.
Comment: Canonical splice site variant predicted to result in a null allele in a gene for which loss of function is a known mechanism of disease; Not observed at significant frequency in large population cohorts (gnomAD); Has not been previously published as pathogenic or benign to our knowledge

NM_021956.5(GRIK2):c.1525-2A>T

Gene: GRIK2 (glutamate ionotropic receptor kainate type subunit 2; plus strand). Cytogenetic location: 6q16.3.
Variant type: single nucleotide variant.
Coding change: c.1525-2A>T on transcript NM_021956.5 (MANE Select); the canonical splice acceptor site of the intron before coding-DNA position 1525, A replaced by T.
Molecular consequence: splice acceptor variant.
Genome position (GRCh38, 1-based): chr6:101,889,638, A>T. VCF-style: chr6-101889638-A-T. GRCh37 (hg19) VCF-style: chr6-102337513-A-T.
Other names: c.1525-2A>T (NM_175768.3, NM_001166247.1).
Identifiers: ClinVar variation 4976675 (VCV004976675.2).